The following is an entry in ClinVar:

NC_000001.10:g.(?_156830727)_(156836790_?)del

Gene: NTRK1 (neurotrophic receptor tyrosine kinase 1; plus strand). Cytogenetic location: 1q23.1.
Variant type: Deletion.
Identifiers: ClinVar variation 3247637 (VCV003247637.1).

ClinVar aggregate classification (germline): Pathogenic (1 of 4 stars; one submission).

Conditions:
Hereditary insensitivity to pain with anhidrosis (CIPA). Also called: INSENSITIVITY TO PAIN, CONGENITAL, WITH ANHIDROSIS; HSAN Type IV; FAMILIAL DYSAUTONOMIA, TYPE II; NEUROPATHY, CONGENITAL SENSORY, WITH ANHIDROSIS; NTRK1 Congenital Insensitivity to Pain with Anhidrosis; hereditary sensory and autonomic neuropathy type 4. Identifiers: Orphanet 642, MedGen C0020074, MONDO:0009746, OMIM 256800.

Submission:

Labcorp Genetics (formerly Invitae), Labcorp
Classification: Pathogenic for Hereditary insensitivity to pain with anhidrosis. Last evaluated: 2022-10-31. Review status: criteria provided, single submitter. Criteria: Invitae Variant Classification Sherloc (09022015). Collection method: clinical testing. Allele origin: unknown.
Comment: For these reasons, this variant has been classified as Pathogenic. This variant has not been reported in the literature in individuals affected with NTRK1-related conditions. This variant is a gross deletion of the genomic region encompassing exon(s) 1-4 of the NTRK1 gene, which includes the initiator codon. This deletion extends beyond the assayed region for this gene and therefore may encompass additional genes. It is expected to result in an absent or disrupted protein product. Loss-of-function variants in NTRK1 are known to be pathogenic (PMID: 10982191).

Literature cited by the submitters: PubMed 10982191.